The following is an entry in ClinVar:

ClinVar aggregate classification (germline): Pathogenic (1 of 4 stars; one submission).

Submission:

GeneDx
Classification: Pathogenic. Last evaluated: 2018-09-26. Review status: criteria provided, single submitter. Criteria: GeneDx Variant Classification (06012015). Collection method: clinical testing. Allele origin: germline. Affected: yes.
Comment: The Q399X variant in the NPRL3 gene has not been reported previously as a pathogenic variant nor as a benign variant, to our knowledge. This variant is predicted to cause loss of normal protein function either through protein truncation or nonsense-mediated mRNA decay. The Q399X variant is not observed in large population cohorts (Lek et al., 2016). We interpret Q399X as a pathogenic variant.

NM_001077350.3(NPRL3):c.1195C>T (p.Gln399Ter)

Genes: HBA-LCR (alpha-globin locus control region; plus strand), NPRL3 (NPR3 like, GATOR1 complex subunit; minus strand). Cytogenetic location: 16p13.3.
Variant type: single nucleotide variant.
Coding change: c.1195C>T on transcript NM_001077350.3 (MANE Select); coding-DNA position 1195, C replaced by T.
Protein change: p.Gln399Ter; replaces glutamine 399 with a stop codon.
Molecular consequence: nonsense.
Genome position (GRCh38, 1-based): chr16:89,869, G>A on the plus strand (C>T on the coding strand, the complement: NPRL3 is on the minus strand). VCF-style: chr16-89869-G-A. GRCh37 (hg19) VCF-style: chr16-139867-G-A.
Other names: c.658C>T, p.Gln220Ter (NM_001039476.3); c.961C>T, p.Gln321Ter (NM_001243247.2); c.1120C>T, p.Gln374Ter (NM_001243248.2, NM_001243249.2); short protein forms Q374*, Q399*, Q321*, Q220*.
Identifiers: ClinVar variation 620361 (VCV000620361.1), dbSNP rs1567129739, ClinGen allele CA394051402.